The following is an entry in ClinVar:

NM_001378687.1(ATP2C1):c.2587C>T (p.Pro863Ser)

Gene: ATP2C1 (ATPase secretory pathway Ca2+ transporting 1; plus strand). Cytogenetic location: 3q22.1.
Variant type: single nucleotide variant.
Coding change: c.2587C>T on transcript NM_001378687.1 (MANE Select); coding-DNA position 2587, C replaced by T.
Protein change: p.Pro863Ser; replaces proline 863 with serine.
Molecular consequence: missense variant.
Genome position (GRCh38, 1-based): chr3:130,999,617, C>T. VCF-style: chr3-130999617-C-T. GRCh37 (hg19) VCF-style: chr3-130718461-C-T.
Other names: c.2587C>T, p.Pro863Ser (NM_001001485.3, NM_001001486.2, NM_001001487.2 and 5 more transcripts); c.2689C>T, p.Pro897Ser (NM_001199180.2, NM_001199181.3, NM_001378511.1); c.2572C>T, p.Pro858Ser (NM_001199182.2); c.2539C>T, p.Pro847Ser (NM_001199183.2, NM_001199184.3, NM_001378514.1); short protein forms P847S, P858S, P863S, P897S.
Identifiers: ClinVar variation 3026968 (VCV003026968.22), dbSNP rs762718343, ClinGen allele CA354538699.
Genomic context (GRCh38, chr3:130,999,617, plus strand): 5'-ATGTTTTGCTATGCAGTTCTTGGATCCATCATGGGACAATTACTAGTTATTTACTTTCCT[C>T]CGCTTCAGAAGGTTTTTCAGACTGAGAGCCTAAGCATACTGGGTAAAGAAAACGTTATCT-3'
Protein context (NP_001365616.1, residues 853-873): MGQLLVIYFP[Pro863Ser]LQKVFQTESL

ClinVar aggregate classification (germline): Uncertain significance (1 of 4 stars; one submission).

Allele frequency attached by ClinVar (database versions not stated): gnomAD 0.00001.
gnomAD v4.1: 2 of 1,613,414 alleles (0.00012%); highest among the groups gnomAD compares: African/African-American, 0.0013%; no homozygotes.

Submission:

CeGaT Center for Human Genetics Tuebingen
Classification: Uncertain significance. Last evaluated: 2024-01-01. Review status: criteria provided, single submitter. Criteria: CeGaT Center For Human Genetics Tuebingen Variant Classification Criteria Version 2. Collection method: clinical testing. Allele origin: germline. Affected: yes. Observed: 1 variant allele.
Comment: ATP2C1: PM2